The following is an entry in ClinVar:

NM_001035.3(RYR2):c.10040dup (p.Asp3347fs)

Gene: RYR2 (ryanodine receptor 2; plus strand). Cytogenetic location: 1q43.
Variant type: Duplication.
Coding change: c.10040dup on transcript NM_001035.3 (MANE Select); coding-DNA position 10040, one base duplicated (A; older notation c.10040dupA).
Protein change: p.Asp3347fs; shifts the reading frame from aspartic acid 3347.
Molecular consequence: frameshift variant.
Genome position (GRCh38, 1-based): chr1:237,708,996, A duplicated. VCF-style (leftmost placement, unchanged base first): chr1-237708995-G-GA. GRCh37 (hg19) VCF-style: chr1-237872295-G-GA.
Other names: short protein forms D3347fs.
Identifiers: ClinVar variation 2454015 (VCV002454015.2), dbSNP rs2547412299, ClinGen allele CA913188194.

ClinVar aggregate classification (germline): Uncertain significance (1 of 4 stars; one submission).

Conditions:
Cardiovascular phenotype. Identifiers: MedGen CN230736.

Submission:

Ambry Genetics
Classification: Uncertain significance for Cardiovascular phenotype. Last evaluated: 2023-01-17. Review status: criteria provided, single submitter. Criteria: Ambry Variant Classification Scheme 2023. Collection method: clinical testing. Allele origin: germline.
Comment: The c.10040dupA variant, located in coding exon 69 of the RYR2 gene, results from a duplication of A at nucleotide position 10040, causing a translational frameshift with a predicted alternate stop codon (p.D3347Efs*12). This alteration is expected to result in protein truncation or nonsense-mediated mRNA decay. However, loss of function of RYR2 has not been established as a mechanism of disease. Since supporting evidence is limited at this time, the clinical significance of this alteration remains unclear.